The following is an entry in ClinVar:

ClinVar aggregate classification (germline): Uncertain significance (1 of 4 stars; one submission).

Allele frequency attached by ClinVar (database versions not stated): ExAC 0.00001; gnomAD 0.00002; TOPMed 0.00003.
gnomAD v4.1: 18 of 1,614,062 alleles (0.0011%); highest among the groups gnomAD compares: Non-Finnish European, 0.0015%; no homozygotes.

Submission:

Labcorp Genetics (formerly Invitae), Labcorp
Classification: Uncertain significance. Last evaluated: 2024-12-24. Review status: criteria provided, single submitter. Criteria: Invitae Variant Classification Sherloc (09022015). Collection method: clinical testing. Allele origin: germline.
Comment: This sequence change replaces arginine, which is basic and polar, with cysteine, which is neutral and slightly polar, at codon 452 of the NIN protein (p.Arg452Cys). This variant is present in population databases (rs772808246, gnomAD 0.002%). This variant has not been reported in the literature in individuals affected with NIN-related conditions. ClinVar contains an entry for this variant (Variation ID: 2701930). An algorithm developed to predict the effect of missense changes on protein structure and function (PolyPhen-2) suggests that this variant is likely to be disruptive. In summary, the available evidence is currently insufficient to determine the role of this variant in disease. Therefore, it has been classified as a Variant of Uncertain Significance.

NM_020921.4(NIN):c.1354C>T (p.Arg452Cys)

Gene: NIN (ninein; minus strand). Cytogenetic location: 14q22.1.
Variant type: single nucleotide variant.
Coding change: c.1354C>T on transcript NM_020921.4 (MANE Select); coding-DNA position 1354, C replaced by T.
Protein change: p.Arg452Cys; replaces arginine 452 with cysteine.
Molecular consequence: missense variant.
Genome position (GRCh38, 1-based): chr14:50,770,468, G>A on the plus strand (C>T on the coding strand, the complement: NIN is on the minus strand). VCF-style: chr14-50770468-G-A. GRCh37 (hg19) VCF-style: chr14-51237186-G-A.
Other names: c.1354C>T, p.Arg452Cys (NM_016350.5, NM_182944.3, NM_182946.2); short protein forms R452C.
Identifiers: ClinVar variation 2701930 (VCV002701930.3), dbSNP rs772808246, ClinGen allele CA7182219.
Genomic context (GRCh38, chr14:50,770,468, plus strand): 5'-GGTCCCGGATATAGTTCTCTTCTGTTTTTGCCTTTTCAATTTCCTGTTCAAGTTCTAAAC[G>A]CTGCTTGCCTGCCTGCTGCAGGATCTGCTCTCTCTCTTTTCGGAGTTCATTTTTTAAGGC-3'
Protein context (NP_065972.4, residues 442-462): EQILQQAGKQ[Arg452Cys]LELEQEIEKA